The following is an entry in ClinVar:

NM_000557.5(GDF5):c.234_235del (p.Gly79fs)

Gene: GDF5 (growth differentiation factor 5; minus strand). Cytogenetic location: 20q11.22.
Variant type: Deletion.
Coding change: c.234_235del on transcript NM_000557.5 (MANE Select); coding-DNA positions 234 to 235, 2 bases deleted (AG; older notation c.234_235delAG).
Protein change: p.Gly79fs; shifts the reading frame from glycine 79.
Molecular consequence: frameshift variant.
Genome position (GRCh38, 1-based): chr20:35,437,694-35,437,695, CT deleted on the plus strand (AG on the coding strand, the reverse complement: GDF5 is on the minus strand); deleting any 2 consecutive bases within chr20:35,437,694-35,437,696 gives the same sequence; the c. name uses the placement nearest the transcript's 3' end. VCF-style (leftmost placement, unchanged base first): chr20-35437693-CCT-C. GRCh37 (hg19) VCF-style: chr20-34025473-CCT-C.
Other names: c.234_235del, p.Gly79fs (NM_001319138.2); short protein forms G79fs.
Identifiers: ClinVar variation 4725678 (VCV004725678.1).

ClinVar aggregate classification (germline): Pathogenic (1 of 4 stars; one submission).

Submission:

Labcorp Genetics (formerly Invitae), Labcorp
Classification: Pathogenic. Last evaluated: 2025-09-02. Review status: criteria provided, single submitter. Criteria: Invitae Variant Classification Sherloc (09022015). Collection method: clinical testing. Allele origin: germline.
Comment: This sequence change creates a premature translational stop signal (p.Gly79Hisfs*14) in the GDF5 gene. It is expected to result in an absent or disrupted protein product. Loss-of-function variants in GDF5 are known to be pathogenic (PMID: 8589725, 9288091, 12121354, 12357473, 27577507). This variant is not present in population databases (gnomAD no frequency). This variant has not been reported in the literature in individuals affected with GDF5-related conditions. For these reasons, this variant has been classified as Pathogenic.

Literature cited by the submitters: PubMed 8589725; PubMed 9288091; PubMed 12121354; PubMed 12357473; PubMed 27577507.